The following is an entry in ClinVar:

ClinVar aggregate classification (germline): Uncertain significance (1 of 4 stars; one submission).

Conditions:
Joubert syndrome. Also called: Familial aplasia of the vermis; JOUBERT-BOLTSHAUSER SYNDROME. Identifiers: Orphanet 475, MedGen C5979921, MONDO:0018772.
Meckel-Gruber syndrome. Also called: Dysencephalia splachnocystica; DYSENCEPHALIA SPLANCHNOCYSTICA; GRUBER SYNDROME. Identifiers: Orphanet 564, MedGen C0265215, MONDO:0018921.

Allele frequency attached by ClinVar (database versions not stated): TOPMed below 0.00001.
gnomAD v4.1: 2 of 1,607,386 alleles (0.00012%); highest among the groups gnomAD compares: Admixed American, 0.0034%; no homozygotes.

Submission:

Labcorp Genetics (formerly Invitae), Labcorp
Classification: Uncertain significance for Joubert syndrome; Meckel-Gruber syndrome. Last evaluated: 2022-06-13. Review status: criteria provided, single submitter. Criteria: Invitae Variant Classification Sherloc (09022015). Collection method: clinical testing. Allele origin: germline.
Comment: This sequence change replaces arginine, which is basic and polar, with threonine, which is neutral and polar, at codon 637 of the CC2D2A protein (p.Arg637Thr). This variant is present in population databases (no rsID available, gnomAD 0.006%). This variant has not been reported in the literature in individuals affected with CC2D2A-related conditions. Advanced modeling of protein sequence and biophysical properties (such as structural, functional, and spatial information, amino acid conservation, physicochemical variation, residue mobility, and thermodynamic stability) performed at Invitae indicates that this missense variant is not expected to disrupt CC2D2A protein function. In summary, the available evidence is currently insufficient to determine the role of this variant in disease. Therefore, it has been classified as a Variant of Uncertain Significance.

NM_001378615.1(CC2D2A):c.1910G>C (p.Arg637Thr)

Genes: CC2D2A (coiled-coil and C2 domain containing 2A; plus strand), FBXL5 (F-box and leucine rich repeat protein 5; minus strand). Cytogenetic location: 4p15.32.
Variant type: single nucleotide variant.
Coding change: c.1910G>C on transcript NM_001378615.1 (MANE Select); coding-DNA position 1910, G replaced by C.
Protein change: p.Arg637Thr; replaces arginine 637 with threonine.
Molecular consequence: missense variant.
Genome position (GRCh38, 1-based): chr4:15,538,044, G>C. VCF-style: chr4-15538044-G-C. GRCh37 (hg19) VCF-style: chr4-15539667-G-C.
Other names: c.1910G>C, p.Arg637Thr (NM_001080522.2); c.1763G>C, p.Arg588Thr (NM_001378617.1); short protein forms R637T, R588T.
Identifiers: ClinVar variation 1943109 (VCV001943109.2), dbSNP rs561944265, ClinGen allele CA356411838.